The following is an entry in ClinVar:

ClinVar aggregate classification (germline): Uncertain significance (1 of 4 stars; one submission).

Conditions:
Familial cold autoinflammatory syndrome 2 (FCAS2). Identifiers: Orphanet 247868, MedGen C2673198, MONDO:0012724, OMIM 611762.

Submission:

Labcorp Genetics (formerly Invitae), Labcorp
Classification: Uncertain significance for Familial cold autoinflammatory syndrome 2. Last evaluated: 2023-04-09. Review status: criteria provided, single submitter. Criteria: Invitae Variant Classification Sherloc (09022015). Collection method: clinical testing. Allele origin: germline.
Comment: This variant is not present in population databases (gnomAD no frequency). This sequence change replaces alanine, which is neutral and non-polar, with valine, which is neutral and non-polar, at codon 678 of the NLRP12 protein (p.Ala678Val). This variant has not been reported in the literature in individuals affected with NLRP12-related conditions. In summary, the available evidence is currently insufficient to determine the role of this variant in disease. Therefore, it has been classified as a Variant of Uncertain Significance. Advanced modeling of protein sequence and biophysical properties (such as structural, functional, and spatial information, amino acid conservation, physicochemical variation, residue mobility, and thermodynamic stability) performed at Invitae indicates that this missense variant is not expected to disrupt NLRP12 protein function.

NM_144687.4(NLRP12):c.2033C>T (p.Ala678Val)

Gene: NLRP12 (NLR family pyrin domain containing 12; minus strand). Cytogenetic location: 19q13.42.
Variant type: single nucleotide variant.
Coding change: c.2033C>T on transcript NM_144687.4 (MANE Select); coding-DNA position 2033, C replaced by T.
Protein change: p.Ala678Val; replaces alanine 678 with valine.
Molecular consequence: missense variant.
Genome position (GRCh38, 1-based): chr19:53,809,626, G>A on the plus strand (C>T on the coding strand, the complement: NLRP12 is on the minus strand). VCF-style: chr19-53809626-G-A. GRCh37 (hg19) VCF-style: chr19-54312880-G-A.
Other names: c.2033C>T, p.Ala678Val (NM_001277126.2, NM_001277129.1); short protein forms A678V.
Identifiers: ClinVar variation 2838396 (VCV002838396.3), dbSNP rs2514328718, ClinGen allele CA407411556.
Genomic context (GRCh38, chr19:53,809,626, plus strand): 5'-GGATACCCCAGGGATACTTACAGCTGCACCAACAGCGTGTGCGCTCCTGCGGAGCACCTC[G>A]CGCGGTCTTCCCCGTCCGCGCTGTAGGTGGCGCCATACAAGTGCAGCACCTGGGCGCTCC-3'
Protein context (NP_653288.1, residues 668-688): ATYSADGEDR[Ala678Val]RCSAGAHTLL